The following is an entry in ClinVar:

ClinVar aggregate classification (germline): Uncertain significance (1 of 4 stars; one submission).

Conditions:
Aortic valve disease 2 (AOVD2). Identifiers: MedGen C3542024, MONDO:0013902, OMIM 614823.

Submission:

Labcorp Genetics (formerly Invitae), Labcorp
Classification: Uncertain significance for Aortic valve disease 2. Last evaluated: 2021-10-14. Review status: criteria provided, single submitter. Criteria: Invitae Variant Classification Sherloc (09022015). Collection method: clinical testing. Allele origin: germline.
Comment: This sequence change replaces threonine with serine at codon 161 of the TBX5 protein (p.Thr161Ser). The threonine residue is highly conserved and there is a small physicochemical difference between threonine and serine. This variant is not present in population databases (ExAC no frequency). This variant has not been reported in the literature in individuals affected with TBX5-related conditions. Algorithms developed to predict the effect of missense changes on protein structure and function are either unavailable or do not agree on the potential impact of this missense change (SIFT: "Deleterious"; PolyPhen-2: "Probably Damaging"; Align-GVGD: "Class C0"). In summary, the available evidence is currently insufficient to determine the role of this variant in disease. Therefore, it has been classified as a Variant of Uncertain Significance.

NM_181486.4(TBX5):c.481A>T (p.Thr161Ser)

Gene: TBX5 (T-box transcription factor 5; minus strand). Cytogenetic location: 12q24.21.
Variant type: single nucleotide variant.
Coding change: c.481A>T on transcript NM_181486.4 (MANE Select); coding-DNA position 481, A replaced by T.
Protein change: p.Thr161Ser; replaces threonine 161 with serine.
Molecular consequence: missense variant.
Genome position (GRCh38, 1-based): chr12:114,398,602, T>A on the plus strand (A>T on the coding strand, the complement: TBX5 is on the minus strand). VCF-style: chr12-114398602-T-A. GRCh37 (hg19) VCF-style: chr12-114836407-T-A.
Other names: c.481A>T, p.Thr161Ser (NM_000192.3); c.331A>T, p.Thr111Ser (NM_080717.4); short protein forms T111S, T161S.
Identifiers: ClinVar variation 1496833 (VCV001496833.6), dbSNP rs2136416621, ClinGen allele CA386862002.